The following is an entry in ClinVar:

NM_001144967.3(NEDD4L):c.1270G>A (p.Gly424Ser)

Gene: NEDD4L (NEDD4 like E3 ubiquitin protein ligase; plus strand). Cytogenetic location: 18q21.31.
Variant type: single nucleotide variant.
Coding change: c.1270G>A on transcript NM_001144967.3 (MANE Select); coding-DNA position 1270, G replaced by A.
Protein change: p.Gly424Ser; replaces glycine 424 with serine.
Molecular consequence: missense variant.
Genome position (GRCh38, 1-based): chr18:58,341,690, G>A. VCF-style: chr18-58341690-G-A. GRCh37 (hg19) VCF-style: chr18-56008922-G-A.
Other names: c.907G>A, p.Gly303Ser (NM_001144964.1, NM_001144965.2, NM_001144966.3); c.1246G>A, p.Gly416Ser (NM_001144968.2); c.1186G>A, p.Gly396Ser (NM_001144969.2); c.847G>A, p.Gly283Ser (NM_001144970.3, NM_001144971.2); c.1078G>A, p.Gly360Ser (NM_001243960.2); c.2107G>A, p.Gly703Ser (NM_001437337.1); c.1210G>A, p.Gly404Ser (NM_015277.6); short protein forms G283S, G396S, G424S, G416S, G703S, G303S, G360S, G404S.
Identifiers: ClinVar variation 4733067 (VCV004733067.1).

ClinVar aggregate classification (germline): Uncertain significance (1 of 4 stars; one submission).

Submission:

Labcorp Genetics (formerly Invitae), Labcorp
Classification: Uncertain significance. Last evaluated: 2026-01-05. Review status: criteria provided, single submitter. Criteria: Invitae Variant Classification Sherloc (09022015). Collection method: clinical testing. Allele origin: germline.
Comment: This sequence change replaces glycine, which is neutral and non-polar, with serine, which is neutral and polar, at codon 404 of the NEDD4L protein (p.Gly404Ser). This variant is not present in population databases (gnomAD no frequency). This variant has not been reported in the literature in individuals affected with NEDD4L-related conditions. An algorithm developed to predict the effect of missense changes on protein structure and function (PolyPhen-2) suggests that this variant is likely to be tolerated. In summary, the available evidence is currently insufficient to determine the role of this variant in disease. Therefore, it has been classified as a Variant of Uncertain Significance.